The following is an entry in ClinVar:

ClinVar aggregate classification (germline): Benign/Likely benign. Review status: criteria provided, multiple submitters, no conflicts (2 of 4 stars). 5 submissions from 5 submitters: Benign (1); Likely benign (4). Last evaluated 2025-07-29.

Conditions:
Hereditary cancer-predisposing syndrome. Also called: Tumor predisposition; Hereditary neoplastic syndrome; Neoplastic Syndromes, Hereditary; Hereditary Cancer Syndrome. Identifiers: Orphanet 140162, MedGen C0027672, MeSH D009386, MONDO:0015356.
Multiple endocrine neoplasia type 2A. Also called: Multiple Endocrine Neoplasia Type 2A (MEN2A); MULTIPLE ENDOCRINE NEOPLASIA, TYPE IIA; PTC SYNDROME; SIPPLE SYNDROME; MEN 2A; MEN-2A syndrome. Identifiers: Orphanet 247698, Orphanet 653, MedGen C0025268, MeSH D018813, MONDO:0008234, OMIM 171400.
Multiple endocrine neoplasia, type 2 (MEN2). Identifiers: Orphanet 653, MedGen C4048306, MONDO:0019003. Disease mechanism: gain of function.

Submissions (5):

Labcorp Genetics (formerly Invitae), Labcorp
Classification: Likely benign for Multiple endocrine neoplasia, type 2. Last evaluated: 2025-07-29. Review status: criteria provided, single submitter. Criteria: Invitae Variant Classification Sherloc (09022015). Collection method: clinical testing. Allele origin: germline.

Myriad Genetics, Inc.
Classification: Benign for Multiple endocrine neoplasia type 2A. Last evaluated: 2025-02-27. Review status: criteria provided, single submitter. Criteria: Myriad Autosomal Dominant, Autosomal Recessive and X-Linked Classification Criteria (2023). Collection method: clinical testing. Allele origin: unknown.
Comment: This variant is considered benign. This variant is a silent/synonymous amino acid change and it is not expected to impact splicing.

All of Us Research Program, National Institutes of Health
Classification: Likely benign for Multiple endocrine neoplasia, type 2. Last evaluated: 2024-01-03. Review status: criteria provided, single submitter. Criteria: ACMG Guidelines, 2015. Collection method: clinical testing. Allele origin: germline. Inheritance: Autosomal dominant inheritance. Observed: 1 variant allele, 1 heterozygote.
Comment: This study involves interpretation of variants in research participants for the purpose of population health screening. Participant phenotype was not available at the time of variant classification. Additional details can be found in publication PMID: 35346344, PMCID: PMC8962531

Ambry Genetics
Classification: Likely benign for Hereditary cancer-predisposing syndrome. Last evaluated: 2022-10-11. Review status: criteria provided, single submitter. Criteria: Ambry Variant Classification Scheme 2023. Collection method: clinical testing. Allele origin: germline.

Color Diagnostics, LLC DBA Color Health
Classification: Likely benign for Multiple endocrine neoplasia, type 2. Last evaluated: 2022-09-29. Review status: criteria provided, single submitter. Criteria: ACMG Guidelines, 2015. Collection method: clinical testing. Allele origin: germline.

NM_020975.6(RET):c.2623T>C (p.Leu875=)

Gene: RET (ret proto-oncogene; plus strand). Cytogenetic location: 10q11.21.
Variant type: single nucleotide variant.
Coding change: c.2623T>C on transcript NM_020975.6 (MANE Select); coding-DNA position 2623, T replaced by C.
Protein change: p.Leu875=; no amino-acid change (leucine 875 retained).
Molecular consequence: synonymous variant.
Genome position (GRCh38, 1-based): chr10:43,120,096, T>C. VCF-style: chr10-43120096-T-C. GRCh37 (hg19) VCF-style: chr10-43615544-T-C.
Other names: c.2623T>C, p.Leu875= (NM_000323.2, NM_001406743.1, NM_001406744.1 and 4 more transcripts); c.1861T>C, p.Leu621= (NM_001355216.2); c.2494T>C, p.Leu832= (NM_001406761.1, NM_001406762.1, NM_001406764.1); c.2488T>C, p.Leu830= (NM_001406763.1, NM_001406765.1); c.2335T>C, p.Leu779= (NM_001406766.1, NM_001406767.1, NM_001406770.1); c.2359T>C, p.Leu787= (NM_001406768.1); c.2227T>C, p.Leu743= (NM_001406769.1, NM_001406772.1); c.2185T>C, p.Leu729= (NM_001406771.1, NM_001406773.1); and 10 more.
Identifiers: ClinVar variation 749993 (VCV000749993.16), dbSNP rs1588877642, ClinGen allele CA376557020.
Genomic context (GRCh38, chr10:43,120,096, plus strand): 5'-GCTGCCTGGCCATGGCCTGACGACTCGTGCTATTTTTCCTCACAGCTCGTTCATCGGGAC[T>C]TGGCAGCCAGAAACATCCTGGTAGCTGAGGGGCGGAAGATGAAGATTTCGGATTTCGGCT-3'
Protein context (NP_066124.1, residues 865-885): LAEMKLVHRD[Leu875=]AARNILVAEG